The following is an entry in ClinVar:

NM_058187.5(EVA1C):c.1054C>T (p.Arg352Cys)

Gene: EVA1C (eva-1 homolog C; plus strand). Cytogenetic location: 21q22.11.
Variant type: single nucleotide variant.
Coding change: c.1054C>T on transcript NM_058187.5 (MANE Select); coding-DNA position 1054, C replaced by T.
Protein change: p.Arg352Cys; replaces arginine 352 with cysteine.
Molecular consequence: missense variant. On other transcripts: non-coding transcript variant (2).
Genome position (GRCh38, 1-based): chr21:32,514,918, C>T. VCF-style: chr21-32514918-C-T. GRCh37 (hg19) VCF-style: chr21-33887228-C-T.
Other names: c.1045C>T, p.Arg349Cys (NM_001286556.2); c.733C>T, p.Arg245Cys (NM_001320744.2); c.769C>T, p.Arg257Cys (NM_001320745.2); short protein forms R245C, R257C, R349C, R352C.
Identifiers: ClinVar variation 2652600 (VCV002652600.24), dbSNP rs140738179, ClinGen allele CA10002389.

ClinVar aggregate classification (germline): Likely benign (1 of 4 stars; one submission).

Allele frequency attached by ClinVar (database versions not stated): gnomAD 0.00035; ESP Exome Variant Server 0.00038; ExAC 0.00126; 1000 Genomes Project 0.00140; 1000 Genomes Project 30x 0.00141.
gnomAD v4.1: 969 of 1,614,052 alleles (0.06%); highest among the groups gnomAD compares: South Asian, 0.77%; 10 homozygotes.

Submission:

CeGaT Center for Human Genetics Tuebingen
Classification: Likely benign. Last evaluated: 2022-12-01. Review status: criteria provided, single submitter. Criteria: CeGaT Center For Human Genetics Tuebingen Variant Classification Criteria Version 2. Collection method: clinical testing. Allele origin: germline. Affected: yes. Observed: 1 variant allele.
Comment: EVA1C: BP4, BS2